The following is an entry in ClinVar:

ClinVar aggregate classification (germline): Uncertain significance (1 of 4 stars; one submission).

Conditions:
Aortic aneurysm, familial thoracic 6 (AAT6). Also called: FAMILIAL THORACIC AORTIC ANEURYSM WITH LIVEDO RETICULARIS AND IRIS FLOCCULI. Identifiers: MedGen C2673186, MONDO:0012730, OMIM 611788.

Submission:

Labcorp Genetics (formerly Invitae), Labcorp
Classification: Uncertain significance for Aortic aneurysm, familial thoracic 6. Last evaluated: 2020-07-13. Review status: criteria provided, single submitter. Criteria: Invitae Variant Classification Sherloc (09022015). Collection method: clinical testing. Allele origin: germline.
Comment: This variant is not present in population databases (ExAC no frequency). This variant has not been reported in the literature in individuals with ACTA2-related conditions. Algorithms developed to predict the effect of missense changes on protein structure and function (SIFT, PolyPhen-2, Align-GVGD) all suggest that this variant is likely to be disruptive, but these predictions have not been confirmed by published functional studies and their clinical significance is uncertain. In summary, the available evidence is currently insufficient to determine the role of this variant in disease. Therefore, it has been classified as a Variant of Uncertain Significance. This sequence change replaces glycine with arginine at codon 253 of the ACTA2 protein (p.Gly253Arg). The glycine residue is highly conserved and there is a moderate physicochemical difference between glycine and arginine.

NM_001613.4(ACTA2):c.757G>C (p.Gly253Arg)

Genes: ACTA2 (actin alpha 2, smooth muscle; minus strand), ACTA2-AS1 (ACTA2 antisense RNA 1; plus strand). Cytogenetic location: 10q23.31.
Variant type: single nucleotide variant.
Coding change: c.757G>C on transcript NM_001613.4 (MANE Select); coding-DNA position 757, G replaced by C.
Protein change: p.Gly253Arg; replaces glycine 253 with arginine.
Molecular consequence: missense variant. On other transcripts: non-coding transcript variant (1).
Genome position (GRCh38, 1-based): chr10:88,939,558, C>G on the plus strand (G>C on the coding strand, the complement: ACTA2 is on the minus strand). VCF-style: chr10-88939558-C-G. GRCh37 (hg19) VCF-style: chr10-90699315-C-G.
Other names: c.757G>C, p.Gly253Arg (NM_001141945.3, NM_001320855.2, NM_001406462.1 and 2 more transcripts); c.646G>C, p.Gly216Arg (NM_001406466.1); c.628G>C, p.Gly210Arg (NM_001406467.1, NM_001406468.1, NM_001406469.1); short protein forms G253R, G210R, G216R.
Identifiers: ClinVar variation 1051381 (VCV001051381.10), dbSNP rs1252359045, ClinGen allele CA377511243.